The following is an entry in ClinVar:

ClinVar aggregate classification (germline): Uncertain significance (1 of 4 stars; one submission).

Conditions:
Adams-Oliver syndrome 5 (AOS5). Identifiers: Orphanet 974, MedGen C4014970, MONDO:0014459, OMIM 616028.

Allele frequency attached by ClinVar (database versions not stated): TOPMed below 0.00001.
gnomAD v4.1: 1 of 1,613,062 alleles (0.000062%); highest among the groups gnomAD compares: African/African-American, 0.0013%; no homozygotes.

Submission:

Labcorp Genetics (formerly Invitae), Labcorp
Classification: Uncertain significance for Adams-Oliver syndrome 5. Last evaluated: 2025-08-11. Review status: criteria provided, single submitter. Criteria: Invitae Variant Classification Sherloc (09022015). Collection method: clinical testing. Allele origin: germline.
Comment: This sequence change replaces lysine, which is basic and polar, with arginine, which is basic and polar, at codon 1821 of the NOTCH1 protein (p.Lys1821Arg). This variant is not present in population databases (gnomAD no frequency). This variant has not been reported in the literature in individuals affected with NOTCH1-related conditions. ClinVar contains an entry for this variant (Variation ID: 2722936). Invitae Evidence Modeling of protein sequence and biophysical properties (such as structural, functional, and spatial information, amino acid conservation, physicochemical variation, residue mobility, and thermodynamic stability) indicates that this missense variant is not expected to disrupt NOTCH1 protein function with a negative predictive value of 80%. In summary, the available evidence is currently insufficient to determine the role of this variant in disease. Therefore, it has been classified as a Variant of Uncertain Significance.

NM_017617.5(NOTCH1):c.5462A>G (p.Lys1821Arg)

Gene: NOTCH1 (notch receptor 1; minus strand). Cytogenetic location: 9q34.3.
Variant type: single nucleotide variant.
Coding change: c.5462A>G on transcript NM_017617.5 (MANE Select); coding-DNA position 5462, A replaced by G.
Protein change: p.Lys1821Arg; replaces lysine 1821 with arginine.
Molecular consequence: missense variant.
Genome position (GRCh38, 1-based): chr9:136,502,011, T>C on the plus strand (A>G on the coding strand, the complement: NOTCH1 is on the minus strand). VCF-style: chr9-136502011-T-C. GRCh37 (hg19) VCF-style: chr9-139396463-T-C.
Other names: short protein forms K1821R.
Identifiers: ClinVar variation 2722936 (VCV002722936.3), dbSNP rs1843004869, ClinGen allele CA375639825.
Genomic context (GRCh38, chr9:136,502,011, plus strand): 5'-CCGGCAGCAGGTGCCCGGGAGCCCAGGAGCCCGGGAGCCTCGCGACTCACCCGGAACTTC[T>C]TGGTCTCCAGGTCCTCGTCCCCCCACTCATTCTGGTTGTCGTCCATGAGGGCACCGTCTG-3'
Protein context (NP_060087.3, residues 1811-1831): NEWGDEDLET[Lys1821Arg]KFRFEEPVVL